The following is an entry in ClinVar:

NM_001110556.2(FLNA):c.7695G>A (p.Leu2565=)

Genes: FLNA (filamin A; minus strand), LOC107988032 (Xq28 proximal FLNA-EMD recombination region; plus strand). Cytogenetic location: Xq28.
Variant type: single nucleotide variant.
Coding change: c.7695G>A on transcript NM_001110556.2 (MANE Select); coding-DNA position 7695, G replaced by A.
Protein change: p.Leu2565=; no amino-acid change (leucine 2565 retained).
Molecular consequence: synonymous variant.
Genome position (GRCh38, 1-based): chrX:154,349,423, C>T on the plus strand (G>A on the coding strand, the complement: FLNA is on the minus strand). VCF-style: chrX-154349423-C-T. GRCh37 (hg19) VCF-style: chrX-153577791-C-T.
Other names: c.7671G>A, p.Leu2557= (NM_001456.4).
Identifiers: ClinVar variation 387601 (VCV000387601.1), dbSNP rs1057522834, ClinGen allele CA16608318.

ClinVar aggregate classification (germline): Likely benign (1 of 4 stars; one submission).

Submission:

GeneDx
Classification: Likely benign. Last evaluated: 2016-07-11. Review status: criteria provided, single submitter. Criteria: GeneDx Variant Classification (06012015). Collection method: clinical testing. Allele origin: germline. Affected: yes.
Comment: This variant is considered likely benign or benign based on one or more of the following criteria: it is a conservative change, it occurs at a poorly conserved position in the protein, it is predicted to be benign by multiple in silico algorithms, and/or has population frequency not consistent with disease.